The following is an entry in ClinVar:

NM_198535.3(ZNF699):c.183G>A (p.Pro61=)

Gene: ZNF699 (zinc finger protein 699; minus strand). Cytogenetic location: 19p13.2.
Variant type: single nucleotide variant.
Coding change: c.183G>A on transcript NM_198535.3 (MANE Select); coding-DNA position 183, G replaced by A.
Protein change: p.Pro61=; no amino-acid change (proline 61 retained).
Molecular consequence: synonymous variant.
Genome position (GRCh38, 1-based): chr19:9,297,983, C>T on the plus strand (G>A on the coding strand, the complement: ZNF699 is on the minus strand). VCF-style: chr19-9297983-C-T. GRCh37 (hg19) VCF-style: chr19-9408659-C-T.
Identifiers: ClinVar variation 4534052 (VCV004534052.6).

ClinVar aggregate classification (germline): Likely benign (1 of 4 stars; one submission).

gnomAD v4.1: 89 of 1,606,410 alleles (0.0055%); highest among the groups gnomAD compares: Non-Finnish European, 0.0068%; no homozygotes.

Submission:

CeGaT Center for Human Genetics Tuebingen
Classification: Likely benign. Last evaluated: 2025-10-01. Review status: criteria provided, single submitter. Criteria: CeGaT Center For Human Genetics Tuebingen Variant Classification Criteria Version 2. Collection method: clinical testing. Allele origin: germline. Affected: yes. Observed: 1 variant allele.
Comment: ZNF699: BP4, BP7